The following is an entry in ClinVar:

ClinVar aggregate classification (germline): Likely pathogenic (0 of 4 stars; one submission).

Conditions:
Iodotyrosyl coupling defect (TDH3). Also called: HYPOTHYROIDISM, CONGENITAL, DUE TO DYSHORMONOGENESIS, 3; THYROID HORMONOGENESIS, GENETIC DEFECT IN, 3. Identifiers: Orphanet 95716, MedGen C0342194, MONDO:0010135, OMIM 274700.

Allele frequency attached by ClinVar (database versions not stated): gnomAD exomes 0.00001; TOPMed 0.00003; gnomAD 0.00004.
gnomAD v4.1: 8 of 1,613,548 alleles (0.0005%); highest among the groups gnomAD compares: Admixed American, 0.013%; no homozygotes.

Submission:

Department of Pediatrics, Division of Medical Genetics, Faculty of Medicine Ramathibodi Hospital, Mahidol University
Classification: Likely pathogenic for Iodotyrosyl coupling defect. Last evaluated: 2020-05-14. Review status: no assertion criteria provided. Collection method: research. Allele origin: maternal. Inheritance: Autosomal recessive inheritance. Affected: yes. Observed: 1 compound heterozygote.

NM_003235.5(TG):c.6791G>A (p.Cys2264Tyr)

Gene: TG (thyroglobulin; plus strand). Cytogenetic location: 8q24.22.
Variant type: single nucleotide variant.
Coding change: c.6791G>A on transcript NM_003235.5 (MANE Select); coding-DNA position 6791, G replaced by A.
Protein change: p.Cys2264Tyr; replaces cysteine 2264 with tyrosine.
Molecular consequence: missense variant.
Genome position (GRCh38, 1-based): chr8:133,019,610, G>A. VCF-style: chr8-133019610-G-A. GRCh37 (hg19) VCF-style: chr8-134031855-G-A.
Other names: short protein forms C2264Y.
Identifiers: ClinVar variation 917855 (VCV000917855.2), dbSNP rs1229345000, ClinGen allele CA372234223.